The following is an entry in ClinVar:

NM_024675.4(PALB2):c.1896A>G (p.Glu632=)

Gene: PALB2 (partner and localizer of BRCA2; minus strand). Cytogenetic location: 16p12.2.
Variant type: single nucleotide variant.
Coding change: c.1896A>G on transcript NM_024675.4 (MANE Select); coding-DNA position 1896, A replaced by G.
Protein change: p.Glu632=; no amino-acid change (glutamic acid 632 retained).
Molecular consequence: synonymous variant.
Genome position (GRCh38, 1-based): chr16:23,630,258, T>C on the plus strand (A>G on the coding strand, the complement: PALB2 is on the minus strand). VCF-style: chr16-23630258-T-C. GRCh37 (hg19) VCF-style: chr16-23641579-T-C.
Other names: c.1896A>G (NM_024675.3).
Identifiers: ClinVar variation 1147434 (VCV001147434.12), dbSNP rs2142386584, ClinGen allele CA494461193.
Genomic context (GRCh38, chr16:23,630,258, plus strand): 5'-GCTTCCCTCTTTAAGATGTCTCTCTCCAAACATTTTTGACTCAAAGGGCTCCACTGGTTT[T>C]TCTGAGCAGGACTTCACTTTTTCAAGCTTAAGAGGTCCAAAGTCTTCATCAGGTAACTGA-3'
Protein context (NP_078951.2, residues 622-642): LKLEKVKSCS[Glu632=]KPVEPFESKM

ClinVar aggregate classification (germline): Conflicting classifications of pathogenicity. Review status: criteria provided, conflicting classifications (1 of 4 stars). 3 submissions from 3 submitters: Uncertain significance (1); Benign (1); Likely benign (1). Last evaluated 2025-01-14.

Conditions:
Familial cancer of breast. Also called: hereditary breast carcinoma; BREAST CANCER, FAMILIAL; Hereditary breast cancer. Identifiers: Orphanet 227535, MedGen C0346153, MONDO:0016419, OMIM 114480. Disease mechanism: loss of function.

Submissions (3):

Myriad Genetics, Inc.
Classification: Benign for Familial cancer of breast. Last evaluated: 2025-01-14. Review status: criteria provided, single submitter. Criteria: Myriad Autosomal Dominant, Autosomal Recessive and X-Linked Classification Criteria (2023). Collection method: clinical testing. Allele origin: unknown.
Comment: This variant is considered benign. This variant is a silent/synonymous amino acid change and it is not expected to impact splicing.

Quest Diagnostics Nichols Institute San Juan Capistrano
Classification: Uncertain significance. Last evaluated: 2025-01-14. Review status: criteria provided, single submitter. Criteria: Quest Diagnostics criteria. Collection method: clinical testing. Allele origin: unknown.
Comment: The PALB2 c.1896A>G (p.Glu632=) synonymous variant has not been reported in individuals with PALB2-related conditions in the published literature. It also has not been reported in large, multi-ethnic general populations (Genome Aggregation Database). Analysis of this variant using software algorithms for the prediction of the effect of nucleotide changes on splicing yielded predictions that this variant does not affect PALB2 mRNA splicing. Based on the available information, we are unable to determine the clinical significance of this variant.

Labcorp Genetics (formerly Invitae), Labcorp
Classification: Likely benign for Familial cancer of breast. Last evaluated: 2020-10-27. Review status: criteria provided, single submitter. Criteria: Invitae Variant Classification Sherloc (09022015). Collection method: clinical testing. Allele origin: germline.